The following is an entry in ClinVar:

ClinVar aggregate classification (germline): Uncertain significance (1 of 4 stars; one submission).

Conditions:
O'Donnell-Luria-Rodan syndrome (ODLURO). Also called: KMT2E-Related Neurodevelopmental Disorder. Identifiers: MedGen C5193138, MONDO:0032793, OMIM 618512.

gnomAD v4.1: 1 of 1,613,804 alleles (0.000062%); no homozygotes.

Submission:

3billion
Classification: Uncertain significance for O'Donnell-Luria-Rodan syndrome. Last evaluated: 2025-07-08. Review status: criteria provided, single submitter. Criteria: ACMG Guidelines, 2015. Collection method: clinical testing. Allele origin: germline. Affected: yes.
Comment: The variant is observed at an extremely low frequency in the gnomAD v4.1.0 dataset (total allele frequency: <0.001%). Predicted Consequence/Location: Synonymous variant In silico tools predict the variant to alter splicing and produce an abnormal transcript [SpliceAI: 0.22 (>=0.2, moderate evidence for spliceogenicity)]. Therefore, this variant is classified as VUS according to the recommendation of ACMG/AMP guideline.

NM_182931.3(KMT2E):c.2520A>G (p.Gln840=)

Gene: KMT2E (lysine methyltransferase 2E (inactive); plus strand). Cytogenetic location: 7q22.3.
Variant type: single nucleotide variant.
Coding change: c.2520A>G on transcript NM_182931.3 (MANE Select); coding-DNA position 2520, A replaced by G.
Protein change: p.Gln840=; no amino-acid change (glutamine 840 retained).
Molecular consequence: synonymous variant.
Genome position (GRCh38, 1-based): chr7:105,105,927, A>G. VCF-style: chr7-105105927-A-G. GRCh37 (hg19) VCF-style: chr7-104746374-A-G.
Other names: c.2520A>G, p.Gln840= (NM_001410908.1, NM_018682.4).
Identifiers: ClinVar variation 4855188 (VCV004855188.1).